The following is an entry in ClinVar:

ClinVar aggregate classification (germline): Uncertain significance. Review status: criteria provided, multiple submitters, no conflicts (2 of 4 stars). 2 submissions from 2 submitters: Uncertain significance (2). Last evaluated 2024-04-20.

Conditions:
Hereditary cancer-predisposing syndrome. Also called: Tumor predisposition; Hereditary Cancer Syndrome; Hereditary neoplastic syndrome; Neoplastic Syndromes, Hereditary. Identifiers: Orphanet 140162, MedGen C0027672, MeSH D009386, MONDO:0015356.
Familial cancer of breast. Also called: BREAST CANCER, FAMILIAL; hereditary breast carcinoma; Hereditary breast cancer. Identifiers: Orphanet 227535, MedGen C0346153, MONDO:0016419, OMIM 114480. Disease mechanism: loss of function.

Submissions (2):

Ambry Genetics
Classification: Uncertain significance for Hereditary cancer-predisposing syndrome. Last evaluated: 2024-04-20. Review status: criteria provided, single submitter. Criteria: Ambry Variant Classification Scheme 2023. Collection method: clinical testing. Allele origin: germline.
Comment: The p.A407T variant (also known as c.1219G>A), located in coding exon 10 of the CHEK2 gene, results from a G to A substitution at nucleotide position 1219. The alanine at codon 407 is replaced by threonine, an amino acid with similar properties. This amino acid position is highly conserved in available vertebrate species. In addition, the in silico prediction for this alteration is inconclusive. Based on the available evidence, the clinical significance of this variant remains unclear.

Labcorp Genetics (formerly Invitae), Labcorp
Classification: Uncertain significance for Familial cancer of breast. Last evaluated: 2024-01-13. Review status: criteria provided, single submitter. Criteria: Invitae Variant Classification Sherloc (09022015). Collection method: clinical testing. Allele origin: germline.
Comment: This sequence change replaces alanine, which is neutral and non-polar, with threonine, which is neutral and polar, at codon 407 of the CHEK2 protein (p.Ala407Thr). This variant is not present in population databases (gnomAD no frequency). This variant has not been reported in the literature in individuals affected with CHEK2-related conditions. An algorithm developed to predict the effect of missense changes on protein structure and function (PolyPhen-2) suggests that this variant is likely to be disruptive. In summary, the available evidence is currently insufficient to determine the role of this variant in disease. Therefore, it has been classified as a Variant of Uncertain Significance.

NM_007194.4(CHEK2):c.1219G>A (p.Ala407Thr)

Gene: CHEK2 (checkpoint kinase 2; minus strand). Cytogenetic location: 22q12.1.
Variant type: single nucleotide variant.
Coding change: c.1219G>A on transcript NM_007194.4 (MANE Select); coding-DNA position 1219, G replaced by A.
Protein change: p.Ala407Thr; replaces alanine 407 with threonine.
Molecular consequence: missense variant.
Genome position (GRCh38, 1-based): chr22:28,695,750, C>T on the plus strand (G>A on the coding strand, the complement: CHEK2 is on the minus strand). VCF-style: chr22-28695750-C-T. GRCh37 (hg19) VCF-style: chr22-29091738-C-T.
Other names: c.1348G>A, p.Ala450Thr (NM_001005735.3); c.556G>A, p.Ala186Thr (NM_001257387.3); c.1018G>A, p.Ala340Thr (NM_001349956.3); c.1132G>A, p.Ala378Thr (NM_145862.3); short protein forms A186T, A378T, A407T, A340T, A450T.
Identifiers: ClinVar variation 2809250 (VCV002809250.4), dbSNP rs2145802493, ClinGen allele CA411096706.